The following is an entry in ClinVar:

ClinVar aggregate classification (germline): Uncertain significance (1 of 4 stars; one submission).

Conditions:
Hypermethioninemia with deficiency of S-adenosylhomocysteine hydrolase. Identifiers: Orphanet 88618, MedGen C3151058, MONDO:0013404, OMIM 613752.

Allele frequency attached by ClinVar (database versions not stated): TOPMed below 0.00001.

Submission:

Labcorp Genetics (formerly Invitae), Labcorp
Classification: Uncertain significance for Hypermethioninemia with deficiency of S-adenosylhomocysteine hydrolase. Last evaluated: 2022-06-14. Review status: criteria provided, single submitter. Criteria: Invitae Variant Classification Sherloc (09022015). Collection method: clinical testing. Allele origin: germline.
Comment: This sequence change replaces threonine, which is neutral and polar, with asparagine, which is neutral and polar, at codon 69 of the AHCY protein (p.Thr69Asn). This variant is not present in population databases (gnomAD no frequency). This variant has not been reported in the literature in individuals affected with AHCY-related conditions. Algorithms developed to predict the effect of missense changes on protein structure and function are either unavailable or do not agree on the potential impact of this missense change (SIFT: "Not Available"; PolyPhen-2: "Benign"; Align-GVGD: "Not Available"). In summary, the available evidence is currently insufficient to determine the role of this variant in disease. Therefore, it has been classified as a Variant of Uncertain Significance.

NM_000687.4(AHCY):c.206C>A (p.Thr69Asn)

Gene: AHCY (adenosylhomocysteinase; minus strand). Cytogenetic location: 20q11.22.
Variant type: single nucleotide variant.
Coding change: c.206C>A on transcript NM_000687.4 (MANE Select); coding-DNA position 206, C replaced by A.
Protein change: p.Thr69Asn; replaces threonine 69 with asparagine.
Molecular consequence: missense variant.
Genome position (GRCh38, 1-based): chr20:34,295,408, G>T on the plus strand (C>A on the coding strand, the complement: AHCY is on the minus strand). VCF-style: chr20-34295408-G-T. GRCh37 (hg19) VCF-style: chr20-32883214-G-T.
Other names: c.122C>A, p.Thr41Asn (NM_001161766.2, NM_001322084.2, NM_001322085.2); c.212C>A, p.Thr71Asn (NM_001322086.2); c.206C>A, p.Thr69Asn (NM_001362750.2); short protein forms T69N, T41N, T71N.
Identifiers: ClinVar variation 1905095 (VCV001905095.2), dbSNP rs2036541148, ClinGen allele CA408660774.